The following is an entry in ClinVar:

NM_001330260.2(SCN8A):c.5307C>A (p.Phe1769Leu)

Gene: SCN8A (sodium voltage-gated channel alpha subunit 8; plus strand). Cytogenetic location: 12q13.13.
Variant type: single nucleotide variant.
Coding change: c.5307C>A on transcript NM_001330260.2 (MANE Select); coding-DNA position 5307, C replaced by A.
Protein change: p.Phe1769Leu; replaces phenylalanine 1769 with leucine.
Molecular consequence: missense variant.
Genome position (GRCh38, 1-based): chr12:51,806,793, C>A. VCF-style: chr12-51806793-C-A. GRCh37 (hg19) VCF-style: chr12-52200577-C-A.
Other names: c.5184C>A, p.Phe1728Leu (NM_001177984.3, NM_001369788.1); c.5307C>A, p.Phe1769Leu (NM_014191.4); short protein forms F1728L, F1769L.
Identifiers: ClinVar variation 2441961 (VCV002441961.4), dbSNP rs2540334704, ClinGen allele CA384885240.

ClinVar aggregate classification (germline): Uncertain significance. Review status: criteria provided, multiple submitters, no conflicts (2 of 4 stars). 5 submissions from 2 submitters: Uncertain significance (5). Last evaluated 2023-07-17.

Conditions:
Early-infantile DEE. Also called: Early infantile epileptic encephalopathy; Ohtahara syndrome; Early infantile epileptic encephalopathy with suppression bursts. Identifiers: Orphanet 1934, MedGen C0393706, MONDO:0800491.
Cognitive impairment with or without cerebellar ataxia (CIAT). Identifiers: MedGen C3280415, MONDO:0013680, OMIM 614306.
Developmental and epileptic encephalopathy, 13 (DEE13). Also called: Early infantile epileptic encephalopathy 13; SCN8A-Related Epilepsy; Developmental and Epileptic Encephalopathy (SCN8A-DEE). Identifiers: Orphanet 442835, MedGen C3281191, MONDO:0013801, OMIM 614558.
Seizures, benign familial infantile, 5 (BFIS5). Also called: CONVULSIONS, BENIGN FAMILIAL INFANTILE, 5. Identifiers: Orphanet 306, MedGen C4310728, MONDO:0014903, OMIM 617080.
Myoclonus, familial, 2. Identifiers: MedGen C5193056, MONDO:0100092, OMIM 618364.

Submissions (5):

Labcorp Genetics (formerly Invitae), Labcorp
Classification: Uncertain significance for Early-infantile DEE. Last evaluated: 2023-07-17. Review status: criteria provided, single submitter. Criteria: Invitae Variant Classification Sherloc (09022015). Collection method: clinical testing. Allele origin: germline.
Comment: This sequence change replaces phenylalanine, which is neutral and non-polar, with leucine, which is neutral and non-polar, at codon 1769 of the SCN8A protein (p.Phe1769Leu). This variant has not been reported in the literature in individuals affected with SCN8A-related conditions. This variant is not present in population databases (gnomAD no frequency). In summary, the available evidence is currently insufficient to determine the role of this variant in disease. Therefore, it has been classified as a Variant of Uncertain Significance. Advanced modeling of protein sequence and biophysical properties (such as structural, functional, and spatial information, amino acid conservation, physicochemical variation, residue mobility, and thermodynamic stability) has been performed at Invitae for this missense variant, however the output from this modeling did not meet the statistical confidence thresholds required to predict the impact of this variant on SCN8A protein function. ClinVar contains an entry for this variant (Variation ID: 2441961).

Baylor Genetics
Classification: Uncertain significance for Developmental and epileptic encephalopathy, 13. Last evaluated: 2021-06-29. Review status: criteria provided, single submitter. Criteria: ACMG Guidelines, 2015. Collection method: clinical testing. Allele origin: unknown.

Baylor Genetics
Classification: Uncertain significance for Cognitive impairment with or without cerebellar ataxia. Last evaluated: 2021-06-29. Review status: criteria provided, single submitter. Criteria: ACMG Guidelines, 2015. Collection method: clinical testing. Allele origin: unknown.

Baylor Genetics
Classification: Uncertain significance for Seizures, benign familial infantile, 5. Last evaluated: 2021-06-29. Review status: criteria provided, single submitter. Criteria: ACMG Guidelines, 2015. Collection method: clinical testing. Allele origin: unknown.

Baylor Genetics
Classification: Uncertain significance for Myoclonus, familial, 2. Last evaluated: 2021-06-29. Review status: criteria provided, single submitter. Criteria: ACMG Guidelines, 2015. Collection method: clinical testing. Allele origin: unknown.